The following is an entry in ClinVar:

NM_001032283.3(TMPO):c.539C>T (p.Ser180Phe)

Gene: TMPO (thymopoietin; plus strand). Cytogenetic location: 12q23.1.
Variant type: single nucleotide variant.
Coding change: c.539C>T on transcript NM_001032283.3 (MANE Select); coding-DNA position 539, C replaced by T.
Protein change: p.Ser180Phe; replaces serine 180 with phenylalanine.
Molecular consequence: missense variant.
Genome position (GRCh38, 1-based): chr12:98,531,812, C>T. VCF-style: chr12-98531812-C-T. GRCh37 (hg19) VCF-style: chr12-98925590-C-T.
Other names: c.539C>T, p.Ser180Phe (NM_001307975.2, NM_003276.2, NM_001032284.3); short protein forms S180F.
Identifiers: ClinVar variation 2605503 (VCV002605503.3), dbSNP rs2548501841, ClinGen allele CA386151264.

ClinVar aggregate classification (germline): Uncertain significance. Review status: criteria provided, multiple submitters, no conflicts (2 of 4 stars). 2 submissions from 2 submitters: Uncertain significance (2). Last evaluated 2025-08-13.

Conditions:
Loeys-Dietz syndrome 2 (LDS2). Also called: Marfan syndrome, type 2 (formerly); TGFBR2-Related Loeys-Dietz Syndrome; AORTIC ANEURYSM, FAMILIAL THORACIC 3; MARFAN SYNDROME, TYPE II; Marfan Syndrome type 2; Marfan like connective tissue disorder. Identifiers: Orphanet 284973, Orphanet 558, MedGen C2674574, MONDO:0012427, OMIM 610168.

Submissions (2):

Labcorp Genetics (formerly Invitae), Labcorp
Classification: Uncertain significance for Loeys-Dietz syndrome 2. Last evaluated: 2025-08-13. Review status: criteria provided, single submitter. Criteria: Invitae Variant Classification Sherloc (09022015). Collection method: clinical testing. Allele origin: germline.
Comment: This sequence change replaces serine, which is neutral and polar, with phenylalanine, which is neutral and non-polar, at codon 180 of the TMPO protein (p.Ser180Phe). This variant is not present in population databases (gnomAD no frequency). This variant has not been reported in the literature in individuals affected with TMPO-related conditions. ClinVar contains an entry for this variant (Variation ID: 2605503). An algorithm developed to predict the effect of missense changes on protein structure and function (PolyPhen-2) suggests that this variant is likely to be disruptive. In summary, the available evidence is currently insufficient to determine the role of this variant in disease. Therefore, it has been classified as a Variant of Uncertain Significance.

Ambry Genetics
Classification: Uncertain significance. Last evaluated: 2023-06-22. Review status: criteria provided, single submitter. Criteria: Ambry Variant Classification Scheme 2023. Collection method: clinical testing. Allele origin: germline.